The following is an entry in ClinVar:

UGT1A1*28

Genes: UGT1A10 (UDP glucuronosyltransferase family 1 member A10; plus strand), UGT1A3 (UDP glucuronosyltransferase family 1 member A3; plus strand), UGT1A1 (UDP glucuronosyltransferase family 1 member A1; plus strand), UGT1A (UDP glucuronosyltransferase family 1 member A complex locus; plus strand), UGT1A4 (UDP glucuronosyltransferase family 1 member A4; plus strand) and 5 more. Cytogenetic location: 2q37.1.
Variant type: Microsatellite.
Molecular consequence: intron variant (on NM_019076.5).
Genome position: GRCh38 VCF-style: chr2-233760233-C-CAT. GRCh37 (hg19) VCF-style: chr2-234668879-C-CAT.
Other names: A(TA)7TAA; (TA)7TAA; c.-53_-52insTA,A(TA)7TAA,UGT1A1*28; TA7; *28; c.-40_-39insTA (NM_000463.3); c.-41_-40dup (LRG_733t1, NM_000463.3); c.-41_-40dupTA (NM_000463.2, NM_000463.3); and 6 more.
Identifiers: ClinVar variation 12275 (VCV000012275.92), dbSNP rs3064744, ClinGen allele CA122070.

ClinVar aggregate classification (germline): Conflicting classifications of pathogenicity; drug response; other. Review status: criteria provided, conflicting classifications (1 of 4 stars). 30 submissions from 25 submitters: Pathogenic (13); Likely pathogenic (4); Uncertain significance (3); Benign (3). 5 of the submissions do not count toward it. Last evaluated 2026-03-30.

Conditions:
Gilbert syndrome. Also called: HYPERBILIRUBINEMIA I; HYPERBILIRUBINEMIA, ARIAS TYPE; Gilbert Disease; HYPERBILIRUBINEMIA, GILBERT TYPE; Gilbert's syndrome. Identifiers: MedGen C0017551, MONDO:0007745, OMIM 143500.
Crigler-Najjar syndrome type 1. Also called: HYPERBILIRUBINEMIA, CRIGLER-NAJJAR TYPE I. Identifiers: Orphanet 79234, MedGen C0010324, MONDO:0021020, OMIM 218800.
Lucey-Driscoll syndrome (HBLRTFN). Also called: Transient familial neonatal hyperbilirubinemia. Identifiers: Orphanet 2312, MedGen C0270210, MONDO:0009383, OMIM 237900.
Crigler-Najjar syndrome, type II. Also called: HYPERBILIRUBINEMIA, CRIGLER-NAJJAR TYPE II; Crigler Najjar syndrome, type 2; Mutation in the UDP-glucuronosyl-transferase gene. Identifiers: Orphanet 205, Orphanet 79235, MedGen C2931132, MONDO:0011725, OMIM 606785.
BILIRUBIN, SERUM LEVEL OF, QUANTITATIVE TRAIT LOCUS 1 (BILIQTL1). Identifiers: MedGen C1866173, OMIM 601816.
UGT1A1-related disorder. Also called: UGT1A1-related condition; UGT1A1-related disorders.
Inborn genetic diseases. Identifiers: MedGen C0950123, MeSH D030342.
Crigler-Najjar syndrome. Identifiers: Orphanet 205, MedGen C5551003, MONDO:0009044.
Irinotecan response. Also called: Camptosar response. Identifiers: MedGen CN077989.

Submissions 1 to 8 of 30:

Institute of Human Genetics, University of Leipzig Medical Center
Classification: Pathogenic for Gilbert syndrome. Last evaluated: 2026-03-30. Review status: criteria provided, single submitter. Criteria: ACMG Guidelines, 2015. Collection method: clinical testing. Allele origin: unknown. Inheritance: Autosomal recessive inheritance. Affected: yes.

Labcorp Genetics (formerly Invitae), Labcorp
Classification: Pathogenic. Last evaluated: 2026-02-03. Review status: criteria provided, single submitter. Criteria: Invitae Variant Classification Sherloc (09022015). Collection method: clinical testing. Allele origin: germline.
Comment: This variant is located in the TATA box of the UGT1A1 promoter region. Variants altering TATA repeat length from its usual length of 6 TA repeats (aka (TA)6 or UGT1A1*1) are associated with Gilbert syndrome, a mild and often asymptomatic hyperbilirubinemia. This variant is present in population databases (rs34983651, gnomAD 40%), and has an allele count higher than expected for a pathogenic variant. This variant is known to be associated with Gilbert syndrome. Individuals who are heterozygous for this variant maintain approximately 70% of the residual enzyme activity (PMID: 7565971, 9435989, 16610035, 28520360). Individuals who are homozygous for this variant maintain approximately 30% residual enzyme activity and have elevated total bilirubin levels consistent with Gilbert syndrome (PMID: 7565971, 9435989, 11003624, 26467199). Compound heterozygosity for this variant and a pathogenic UGT1A1 coding variant may result in a more pronounced enzyme deficiency, higher total serum bilirubin levels, and a clinical presentation similar to Crigler-Najjar syndrome (PMID: 9639672, 11370628). This variant is also known as (TA)7 or UGT1A1*28. Studies have shown that this variant alters UGT1A1 gene expression (PMID: 9639672). For these reasons, this variant has been classified as Pathogenic.

Variantyx, Inc.
Classification: Pathogenic for Gilbert syndrome. Last evaluated: 2026-01-16. Review status: criteria provided, single submitter. Criteria: Variantyx Assertion Criteria 2022. Collection method: clinical testing. Allele origin: germline. Inheritance: Autosomal recessive inheritance. Affected: yes.
Comment: This is a 5'-UTR variant in the UGT1A1 gene (OMIM: 191740). Pathogenic variants in this gene have been associated with autosomal recessive Gilbert syndrome. Functional studies have shown that this variant alters UGT1A1 protein function (PMID: 17496722, 9639672, 7565971) (PS3_Moderate). It has a 37.5316% maximum allele frequency in non-founder control populations. Based on the current evidence, this variant is classified as pathogenic for autosomal recessive Gilbert syndrome.

Ambry Genetics
Classification: Likely pathogenic for Inborn genetic diseases. Last evaluated: 2025-12-02. Review status: criteria provided, single submitter. Criteria: Ambry Variant Classification Scheme 2023. Collection method: clinical testing. Allele origin: germline.
Comment: The c.-41_-40dupTA alteration is located in the 5' untranslated region (5'UTR) of the UGT1A1 gene. This alteration consists of a 2 nucleotide duplication 40 nucleotides upstream from the first translated codon. Based on the available evidence, the UGT1A1 c.-41_-40dupTA alteration is hypomorphic and is classified as likely pathogenic when occurring in trans with a coding variant. Based on data from gnomAD, the c.-41_-40dupTA allele has an overall frequency of 30.55% (448036/1466600) total alleles studied, including 31217 homozygotes. The highest observed frequency was 42.18% (383/908) of Amish alleles. This variant has been identified in conjunction with other UGT1A1 variant(s) in individual(s) with features consistent with Crigler-Najjar syndrome; in at least one instance, the variants were identified in trans (Ciotti, 1998; Kadakol, 2001; Koshy, 2004; Servedio, 2005; Costa, 2006; Petit, 2008; Li, 2015; Trabelsi, 2021). In the homozygous state, this variant is not disease-causing. Functional studies suggest decreased UGT1A1 promoter activity and expression; however, additional evidence is needed to confirm these findings (Bosma, 1995; Ciotti, 1998; Beutler, 1998). Based on the available evidence, this alteration is classified as likely pathogenic.

Genesolutions, Medical Genetics Institutes, Ho Chi Minh City, Vietnam
Classification: Uncertain significance for Gilbert syndrome. Last evaluated: 2025-09-24. Review status: criteria provided, single submitter. Criteria: ACMG Guidelines, 2015. Collection method: clinical testing. Allele origin: germline. Affected: yes.

Immunogenetics and Transplant Biology Service, University Hospital "Città della Salute e della Scienza di Torino"
Classification: Benign for Gilbert syndrome. Last evaluated: 2025-06-28. Review status: criteria provided, single submitter. Criteria: ACMG Guidelines, 2015. Collection method: clinical testing. Allele origin: germline. Affected: yes.

Rady Children's Institute for Genomic Medicine, Rady Children's Hospital San Diego
Classification: Likely pathogenic for UGT1A1-related disorders. Last evaluated: 2025-03-31. Review status: criteria provided, single submitter. Criteria: ACMG Guidelines, 2015. Collection method: clinical testing. Allele origin: germline. Affected: yes.
Comment: This variant is also referred to as c.-53_-52insTA, (TA)7, or UGT1A1*28 in the literature, and is located in the TATA box of the UGT1A1 promoter region (PMID: 7565971). Variants that change the TATA repeat length from its typical length to that of seven TA repeats, such as the c.-41_-40dup, have been associated with UGT1A1-related disorders (PMID: 8596320, 11003624). Functional studies have shown that this variant alters UGT1A1 gene expression (PMID: 9639672). Individuals who are homozygous for this variant present with elevated total bilirubin levels that are consistent with Gilbert syndrome (PMID: 7565971, 9435989, 16610035, 28520360, 11003624, 26467199). When this variant is found in trans with a pathogenic UGT1A1 coding variant, it may lead to a more pronounced enzyme deficiency, higher total bilirubin levels, and a clinical presentation overlapping Crigler-Najjar syndrome (PMID: 9639672, 11370628). The c.-41_-40dup variant is present in the gnomAD population database at a frequency of 30% (448036/1466600) in the heterozygous state and is present in 31,217 individuals in the homozygous state. Based on the available evidence, the c.-41_-40dup variant is classified as Pathogenic.

Laboratory of Genetics, Children's Clinical University Hospital Latvia
Classification: Pathogenic. Last evaluated: 2025-02-16. Review status: criteria provided, single submitter. Criteria: ACMG Guidelines, 2015. Collection method: clinical testing. Allele origin: germline. Affected: yes.